The following is an entry in ClinVar:

ClinVar aggregate classification (germline): Uncertain significance (1 of 4 stars; one submission).

Conditions:
Inborn genetic diseases. Identifiers: MedGen C0950123, MeSH D030342.

Submission:

Ambry Genetics
Classification: Uncertain significance for Inborn genetic diseases. Last evaluated: 2024-01-19. Review status: criteria provided, single submitter. Criteria: Ambry Variant Classification Scheme 2023. Collection method: clinical testing. Allele origin: germline.
Comment: The c.1585G>A (p.A529T) alteration is located in exon 16 (coding exon 14) of the EYA1 gene. This alteration results from a G to A substitution at nucleotide position 1585, causing the alanine (A) at amino acid position 529 to be replaced by a threonine (T). This variant was not reported in population-based cohorts in the Genome Aggregation Database (gnomAD). This amino acid position is highly conserved in available vertebrate species. This alteration is predicted to be deleterious by in silico analysis. Based on insufficient or conflicting evidence, the clinical significance of this alteration remains unclear.

NM_000503.6(EYA1):c.1585G>A (p.Ala529Thr)

Gene: EYA1 (EYA transcriptional coactivator and phosphatase 1; minus strand). Cytogenetic location: 8q13.3.
Variant type: single nucleotide variant.
Coding change: c.1585G>A on transcript NM_000503.6 (MANE Select); coding-DNA position 1585, G replaced by A.
Protein change: p.Ala529Thr; replaces alanine 529 with threonine.
Molecular consequence: missense variant.
Genome position (GRCh38, 1-based): chr8:71,215,399, C>T on the plus strand (G>A on the coding strand, the complement: EYA1 is on the minus strand). VCF-style: chr8-71215399-C-T. GRCh37 (hg19) VCF-style: chr8-72127634-C-T.
Other names: c.1567G>A, p.Ala523Thr (NM_001288574.2, NM_172059.5); c.1219G>A, p.Ala407Thr (NM_001288575.2); c.1672G>A, p.Ala558Thr (NM_001370333.1); c.1585G>A, p.Ala529Thr (NM_001370334.1, NM_001370335.1, NM_172058.4); c.1564G>A, p.Ala522Thr (NM_001370336.1); c.1486G>A, p.Ala496Thr (NM_001411797.1, NM_172060.4); short protein forms A407T, A522T, A523T, A558T, A529T, A496T.
Identifiers: ClinVar variation 3091308 (VCV003091308.1), dbSNP rs1809056862, ClinGen allele CA371466073.